The following is an entry in ClinVar:

ClinVar aggregate classification (germline): Uncertain significance (0 of 4 stars; one submission).

Conditions:
FREM1-related disorder. Also called: FREM1-related condition; FREM1-Related Disorders.

gnomAD v4.1: 3 of 1,613,858 alleles (0.00019%); highest among the groups gnomAD compares: Non-Finnish European, 0.00025%; no homozygotes.

Submission:

PreventionGenetics, part of Exact Sciences
Classification: Uncertain significance for FREM1-related condition. Last evaluated: 2024-09-12. Review status: no assertion criteria provided. Collection method: clinical testing. Allele origin: germline.
Comment: The FREM1 c.2800C>T variant is predicted to result in the amino acid substitution p.Pro934Ser. To our knowledge, this variant has not been reported in the literature or in a large population database, indicating this variant is rare. At this time, the clinical significance of this variant is uncertain due to the absence of conclusive functional and genetic evidence.

NM_001379081.2(FREM1):c.2800C>T (p.Pro934Ser)

Genes: FREM1 (FRAS1 related extracellular matrix 1; minus strand), LOC126860582 (P300/CBP strongly-dependent group 1 enhancer GRCh37_chr9:14812530-14813729; plus strand). Cytogenetic location: 9p22.3.
Variant type: single nucleotide variant.
Coding change: c.2800C>T on transcript NM_001379081.2 (MANE Select); coding-DNA position 2800, C replaced by T.
Protein change: p.Pro934Ser; replaces proline 934 with serine.
Molecular consequence: missense variant. On other transcripts: non-coding transcript variant (2).
Genome position (GRCh38, 1-based): chr9:14,812,905, G>A on the plus strand (C>T on the coding strand, the complement: FREM1 is on the minus strand). VCF-style: chr9-14812905-G-A. GRCh37 (hg19) VCF-style: chr9-14812903-G-A.
Other names: c.2800C>T, p.Pro934Ser (NM_144966.7); short protein forms P934S.
Identifiers: ClinVar variation 3353790 (VCV003353790.1).